The following is an entry in ClinVar:

NM_032043.3(BRIP1):c.1193T>A (p.Ile398Asn)

Gene: BRIP1 (BRCA1 interacting DNA helicase 1; minus strand). Cytogenetic location: 17q23.2.
Variant type: single nucleotide variant.
Coding change: c.1193T>A on transcript NM_032043.3 (MANE Select); coding-DNA position 1193, T replaced by A.
Protein change: p.Ile398Asn; replaces isoleucine 398 with asparagine.
Molecular consequence: missense variant.
Genome position (GRCh38, 1-based): chr17:61,799,247, A>T on the plus strand (T>A on the coding strand, the complement: BRIP1 is on the minus strand). VCF-style: chr17-61799247-A-T. GRCh37 (hg19) VCF-style: chr17-59876608-A-T.
Other names: short protein forms I398N.
Identifiers: ClinVar variation 3360817 (VCV003360817.1).

ClinVar aggregate classification (germline): Uncertain significance (1 of 4 stars; one submission).

Submission:

GeneDx
Classification: Uncertain significance. Last evaluated: 2023-07-03. Review status: criteria provided, single submitter. Criteria: GeneDx Variant Classification Process June 2021. Collection method: clinical testing. Allele origin: germline. Affected: yes.
Comment: Not observed at significant frequency in large population cohorts (gnomAD); In silico analysis supports that this missense variant has a deleterious effect on protein structure/function; Has not been previously published as pathogenic or benign to our knowledge